The following is an entry in ClinVar:

ClinVar aggregate classification (germline): Uncertain significance. Review status: criteria provided, multiple submitters, no conflicts (2 of 4 stars). 3 submissions from 3 submitters: Uncertain significance (3). Last evaluated 2024-03-06.

Conditions:
Cardiomyopathy (CMYO). Also called: Cardiomyopathies. Identifiers: Orphanet 167848, MedGen C0878544, MONDO:0004994, HP:0001638. Inheritance: Various modes of inheritance.
Arrhythmogenic right ventricular dysplasia 5. Also called: ARRHYTHMOGENIC RIGHT VENTRICULAR DYSPLASIA, FAMILIAL, 5; Arrhythmogenic Right Ventricular Dysplasia/Cardiomyopathy 5. Identifiers: MedGen C1858379, MONDO:0011459, OMIM 604400.

Allele frequency attached by ClinVar (database versions not stated): gnomAD exomes below 0.00001.
gnomAD v4.1: 6 of 1,614,074 alleles (0.00037%); highest among the groups gnomAD compares: Non-Finnish European, 0.00051%; no homozygotes.

Submissions (3):

Color Diagnostics, LLC DBA Color Health
Classification: Uncertain significance for Cardiomyopathy. Last evaluated: 2024-03-06. Review status: criteria provided, single submitter. Criteria: ACMG Guidelines, 2015. Collection method: clinical testing. Allele origin: germline.
Comment: This missense variant replaces threonine with isoleucine at codon 149 of the TMEM43 protein. Computational prediction suggests that this variant may not impact protein structure and function (internally defined REVEL score threshold <= 0.5, PMID: 27666373). To our knowledge, functional studies have not been reported for this variant. This variant has not been reported in individuals affected with cardiovascular disorders in the literature. This variant has not been identified in the general population by the Genome Aggregation Database (gnomAD). The available evidence is insufficient to determine the role of this variant in disease conclusively. Therefore, this variant is classified as a Variant of Uncertain Significance.

Labcorp Genetics (formerly Invitae), Labcorp
Classification: Uncertain significance for Arrhythmogenic right ventricular dysplasia 5. Last evaluated: 2024-02-13. Review status: criteria provided, single submitter. Criteria: Invitae Variant Classification Sherloc (09022015). Collection method: clinical testing. Allele origin: germline.
Comment: This sequence change replaces threonine, which is neutral and polar, with isoleucine, which is neutral and non-polar, at codon 149 of the TMEM43 protein (p.Thr149Ile). This variant is not present in population databases (gnomAD no frequency). This variant has not been reported in the literature in individuals affected with TMEM43-related conditions. ClinVar contains an entry for this variant (Variation ID: 959383). Advanced modeling of protein sequence and biophysical properties (such as structural, functional, and spatial information, amino acid conservation, physicochemical variation, residue mobility, and thermodynamic stability) performed at Invitae indicates that this missense variant is expected to disrupt TMEM43 protein function with a positive predictive value of 80%. In summary, the available evidence is currently insufficient to determine the role of this variant in disease. Therefore, it has been classified as a Variant of Uncertain Significance.

All of Us Research Program, National Institutes of Health
Classification: Uncertain significance for Arrhythmogenic right ventricular dysplasia 5. Last evaluated: 2023-08-23. Review status: criteria provided, single submitter. Criteria: ACMG Guidelines, 2015. Collection method: clinical testing. Allele origin: germline. Inheritance: Autosomal dominant inheritance. Observed: 1 variant allele, 1 heterozygote.
Comment: This missense variant replaces threonine with isoleucine at codon 149 of the TMEM43 protein. Computational prediction suggests that this variant may not impact protein structure and function (internally defined REVEL score threshold <= 0.5, PMID: 27666373). To our knowledge, functional studies have not been reported for this variant. This variant has not been reported in individuals affected with cardiovascular disorders in the literature. This variant has not been identified in the general population by the Genome Aggregation Database (gnomAD). The available evidence is insufficient to determine the role of this variant in disease conclusively. Therefore, this variant is classified as a Variant of Uncertain Significance.

This study involves interpretation of variants in research participants for the purpose of population health screening. Participant phenotype was not available at the time of variant classification. Additional details can be found in publication PMID: 35346344, PMCID: PMC8962531

NM_024334.3(TMEM43):c.446C>T (p.Thr149Ile)

Gene: TMEM43 (transmembrane protein 43; plus strand). Cytogenetic location: 3p25.1.
Variant type: single nucleotide variant.
Coding change: c.446C>T on transcript NM_024334.3 (MANE Select); coding-DNA position 446, C replaced by T.
Protein change: p.Thr149Ile; replaces threonine 149 with isoleucine.
Molecular consequence: missense variant.
Genome position (GRCh38, 1-based): chr3:14,132,869, C>T. VCF-style: chr3-14132869-C-T. GRCh37 (hg19) VCF-style: chr3-14174369-C-T.
Other names: short protein forms T149I.
Identifiers: ClinVar variation 959383 (VCV000959383.10), dbSNP rs1695115690, ClinGen allele CA351535102.